The following is an entry in ClinVar:

ClinVar aggregate classification (germline): Pathogenic. Review status: criteria provided, multiple submitters, no conflicts (2 of 4 stars). 14 submissions from 14 submitters: Pathogenic (13). 1 of the submissions does not count toward it. Last evaluated 2026-01-19.

Conditions:
Hereditary cancer-predisposing syndrome. Also called: Neoplastic Syndromes, Hereditary; Hereditary neoplastic syndrome; Hereditary Cancer Syndrome; Tumor predisposition. Identifiers: Orphanet 140162, MedGen C0027672, MeSH D009386, MONDO:0015356.
Bloom syndrome (BLM). Also called: Bloom-Torre-Machacek syndrome. Identifiers: Orphanet 125, MedGen C0005859, MONDO:0008876, OMIM 210900.

Submissions (14):

Labcorp Genetics (formerly Invitae), Labcorp
Classification: Pathogenic for Bloom syndrome. Last evaluated: 2026-01-19. Review status: criteria provided, single submitter. Criteria: Invitae Variant Classification Sherloc (09022015). Collection method: clinical testing. Allele origin: germline.
Comment: This sequence change creates a premature translational stop signal (p.Leu258Glufs*7) in the BLM gene. It is expected to result in an absent or disrupted protein product. Loss-of-function variants in BLM are known to be pathogenic (PMID: 17407155). This variant is present in population databases (rs760209332, gnomAD 0.02%). This premature translational stop signal has been observed in individual(s) with Bloom syndrome and breast and ovarian cancer (PMID: 17407155, 24448499, 28724667). This variant is also known as c.768_769del, p.D256fs. ClinVar contains an entry for this variant (Variation ID: 42092). For these reasons, this variant has been classified as Pathogenic.

Myriad Genetics, Inc.
Classification: Pathogenic for Bloom syndrome. Last evaluated: 2025-11-17. Review status: criteria provided, single submitter. Criteria: Myriad Autosomal Dominant, Autosomal Recessive and X-Linked Classification Criteria (2023). Collection method: clinical testing. Allele origin: unknown.
Comment: This variant is considered pathogenic. This variant creates a frameshift predicted to result in premature protein truncation.

Dasa
Classification: Pathogenic. Last evaluated: 2025-05-20. Review status: criteria provided, single submitter. Criteria: DASA Assertion Criteria. Collection method: clinical testing. Allele origin: germline.
Comment: NM_000057.4(BLM):c.772_773del (p.Leu258GlufsTer7) is a frameshift variant in BLM predicted to alter the reading frame and introduce a premature termination codon and is predicted to result in an absent or altered protein product. Loss of function is an established disease mechanism for BLM-associated disorders. This variant has been reported in individuals with BLM-related disorders (PMID: 29783825). Also, this variant is absent from population databases. Based on the currently available evidence, this variant is classified as pathogenic.

Natera, Inc.
Classification: Pathogenic for Bloom syndrome. Last evaluated: 2025-02-18. Review status: criteria provided, single submitter. Criteria: Natera Variant Classification Schema (03/2026). Collection method: clinical testing. Allele origin: germline.
Comment: The c.772_773delCT variant in BLM is a frameshift variant predicted to shift the reading frame beginning at codon 258 and leads to a stop codon 7 codons downstream. This variant is expected to result in nonsense mediated decay, truncation, or a dysfunctional protein product. This variant is rare in the general population with a frequency below the threshold expected for the associated phenotype(s). This variant has been observed in one or more individuals affected with the associated recessive disease, as either homozygous or compound heterozygous with a second variant (PMID: 29095814). Given the available evidence, this variant is classified as Pathogenic.

St. Jude Molecular Pathology, St. Jude Children's Research Hospital
Classification: Pathogenic for Bloom syndrome. Last evaluated: 2024-09-06. Review status: criteria provided, single submitter. Criteria: St. Jude Assertion Criteria 2020. Collection method: clinical testing. Allele origin: germline.
Comment: The BLM c.772_773del (p.Leu258GlufsTer7) change deletes two nucleotides to cause a frameshift and the creation of a premature stop codon. This change is predicted to cause protein truncation or absence of protein due to nonsense-mediated decay. This variant has been observed in an individual with Bloom syndrome (PMID: 17407155). This variant has a maximum subpopulation frequency of 0.02% in gnomAD v2.1.1. In summary, this variant meets criteria to be classified as pathogenic.

Ambry Genetics
Classification: Pathogenic for Hereditary cancer-predisposing syndrome. Last evaluated: 2024-05-29. Review status: criteria provided, single submitter. Criteria: Ambry Variant Classification Scheme 2023. Collection method: clinical testing. Allele origin: germline.
Comment: The c.772_773delCT pathogenic mutation, located in coding exon 2 of the BLM gene, results from a deletion of two nucleotides at nucleotide positions 772 to 773, causing a translational frameshift with a predicted alternate stop codon (p.L258Efs*7). This mutation has been reported in the homozygous and compound heterozygous states in patients with Bloom syndrome (German J et al. Hum Mutat, 2007 Aug;28:743-53; Wu ML et al. Zhonghua Er Ke Za Zhi, 2018 May;56:373-376). This mutation has also been reported in a patient with ovarian cancer (Kanchi KL et al. Nat Commun, 2014;5:3156). In addition to the clinical data presented in the literature, this alteration is expected to result in loss of function by premature protein truncation or nonsense-mediated mRNA decay. As such, this alteration is interpreted as a disease-causing mutation.

Baylor Genetics
Classification: Pathogenic for Bloom syndrome. Last evaluated: 2024-03-30. Review status: criteria provided, single submitter. Criteria: ACMG Guidelines, 2015. Collection method: clinical testing. Allele origin: unknown.

Fulgent Genetics
Classification: Pathogenic for Bloom syndrome. Last evaluated: 2023-12-20. Review status: criteria provided, single submitter. Criteria: ACMG Guidelines, 2015. Collection method: clinical testing. Allele origin: germline.

GeneDx
Classification: Pathogenic. Last evaluated: 2023-08-11. Review status: criteria provided, single submitter. Criteria: GeneDx Variant Classification Process June 2021. Collection method: clinical testing. Allele origin: germline.
Comment: Frameshift variant predicted to result in protein truncation or nonsense mediated decay in a gene for which loss of function is a known mechanism of disease; Identified in the heterozygous state in individuals with breast, ovarian, colorectal, or lung cancer (Kanchi et al., 2014; Sun et al., 2017; Huang et al., 2018; Peng et al., 2022; Wang et al., 2022); This variant is associated with the following publications: (PMID: 26247052, 17407155, 29783825, 24448499, 29478780, 29625052, 31721094, 28724667, 36315097, 36113475, 36451132, 35273153)

Quest Diagnostics Nichols Institute San Juan Capistrano
Classification: Pathogenic. Last evaluated: 2023-07-06. Review status: criteria provided, single submitter. Criteria: Quest Diagnostics criteria. Collection method: clinical testing. Allele origin: unknown.
Comment: This variant alters the translational reading frame of the BLM mRNA and causes the premature termination of BLM protein synthesis. In the published literature, this variant has been reported in individuals with breast cancer (PMID: 36315097 (2022), 28724667 (2017)), rectal cancer (PMID: 29625052 (2018)), colorectal cancer (PMID: 29478780 (2018)), lung cancer (PMID: 35273153 (2022), 31721094 (2020)), and astrocytoma (PMID: 32783018 (2019), 31133068 (2019)). This variant has also been observed in individuals with Bloom Syndrome (PMID: 29783825 (2018), 17407155 (2007)). The frequency of this variant in the general population, 0.00016 (4/24446 chromosomes (Genome Aggregation Database)), is consistent with pathogenicity. Based on the available information, this variant is classified as pathogenic.

New York Genome Center
Classification: Pathogenic for Bloom syndrome. Last evaluated: 2021-03-12. Review status: criteria provided, single submitter. Criteria: NYGC Assertion Criteria 2020. Collection method: clinical testing. Allele origin: inherited. Inheritance: Autosomal recessive inheritance. Observed: 1 heterozygote. Study: CSER-NYCKidSeq.

Women's Health and Genetics/Laboratory Corporation of America, LabCorp
Classification: Pathogenic for Bloom syndrome. Last evaluated: 2017-04-24. Review status: criteria provided, single submitter. Criteria: LabCorp Variant Classification Summary - May 2015. Collection method: clinical testing. Allele origin: germline.
Comment: Variant summary: The BLM c.772_773delCT (p.Leu258Glufs) variant results in a premature termination codon, predicted to cause a truncated or absent BLM protein due to nonsense mediated decay, which are commonly known mechanisms for disease. Truncations downstream of this position have been classified as pathogenic by our laboratory (e.g. c.2207_2212delinsTAGATTC (p.Tyr736fs) and c.1642C>T (p.Gln548X)). One in silico tool predicts a damaging outcome for this variant. This variant was found in 5/119222 control chromosomes at a frequency of 0.0000419, which does not exceed the estimated maximal expected allele frequency of a pathogenic BLM variant (0.0035355). The variant has been reported in at least one homozygous affected individual in the literature. In addition, multiple clinical diagnostic laboratories/reputable databases classified this variant as likely pathogenic/pathogenic. Taken together, this variant is classified as "pathogenic."

Juno Genomics, Hangzhou Juno Genomics, Inc
Classification: Pathogenic for Bloom syndrome. Review status: criteria provided, single submitter. Criteria: ACMG Guidelines, 2015. Collection method: clinical testing. Allele origin: germline.
Comment: Absent from controls (or at extremely low frequency if recessive) in Genome Aggregation Database.;Null variant in a gene where loss of function (LOF) is a known mechanism of disease.;For recessive disorders, detected in trans with a pathogenic variant.;Co-segregation with disease in multiple affected family members.;Patient's phenotype or family history is highly specific for a disease with a single genetic etiology.

Counsyl
Classification: Likely pathogenic for Bloom syndrome. Last evaluated: 2014-06-04. Review status: no assertion criteria provided. Collection method: literature only. Allele origin: unknown. Inheritance: Autosomal recessive inheritance. Not counted in ClinVar's aggregate classification.

Literature cited by the submitters: PubMed 17407155 (cited by 6 submitters); PubMed 24448499 (cited by 5 submitters); PubMed 28724667 (cited by 3 submitters); PubMed 36315097 (cited by Dasa and Quest Diagnostics Nichols Institute San Juan Capistrano); PubMed 29783825 (cited by 3 submitters); PubMed 29095814 (cited by Natera, Inc.); PubMed 34177791 (cited by Quest Diagnostics Nichols Institute San Juan Capistrano); PubMed 26247052 (cited by Quest Diagnostics Nichols Institute San Juan Capistrano and Women's Health and Genetics/Laboratory Corporation of America, LabCorp); PubMed 31133068 (cited by Quest Diagnostics Nichols Institute San Juan Capistrano); PubMed 29625052 (cited by Quest Diagnostics Nichols Institute San Juan Capistrano); PubMed 32783018 (cited by Quest Diagnostics Nichols Institute San Juan Capistrano); PubMed 29478780 (cited by Quest Diagnostics Nichols Institute San Juan Capistrano); PubMed 31721094 (cited by Quest Diagnostics Nichols Institute San Juan Capistrano); PubMed 35273153 (cited by Quest Diagnostics Nichols Institute San Juan Capistrano).

NM_000057.4(BLM):c.772_773del (p.Leu258fs)

Gene: BLM (BLM RecQ like helicase; plus strand). Cytogenetic location: 15q26.1.
Variant type: Microsatellite.
Coding change: c.772_773del on transcript NM_000057.4 (MANE Select); coding-DNA positions 772 to 773, 2 bases deleted (CT; older notation c.772_773delCT).
Protein change: p.Leu258fs; shifts the reading frame from leucine 258.
Molecular consequence: frameshift variant. On other transcripts: 5 prime UTR variant (1).
Genome position (GRCh38, 1-based): chr15:90,750,040-90,750,041, CT deleted; deleting any 2 consecutive bases within chr15:90,750,036-90,750,041 gives the same sequence; the c. name uses the placement nearest the transcript's 3' end. VCF-style (leftmost placement, unchanged base first): chr15-90750035-ACT-A. GRCh37 (hg19) VCF-style: chr15-91293265-ACT-A.
Other names: c.772_773delCT (NM_000057.2); c.772_773del (NM_000057.3); c.772_773del, p.Leu258fs (NM_001287246.2, NM_001287247.2); c.-524CT[2] (NM_001287248.2); short protein forms L258fs.
Identifiers: ClinVar variation 42092 (VCV000042092.36), dbSNP rs367543013, ClinGen allele CA344542.